The following is an entry in ClinVar:

ClinVar aggregate classification (germline): Uncertain significance (1 of 4 stars; one submission).

gnomAD v4.1: 7 of 1,613,758 alleles (0.00043%); highest among the groups gnomAD compares: Non-Finnish European, 0.00059%; no homozygotes.

Submission:

Ambry Genetics
Classification: Uncertain significance. Last evaluated: 2026-01-20. Review status: criteria provided, single submitter. Criteria: Ambry Variant Classification Scheme 2023. Collection method: clinical testing. Allele origin: germline.
Comment: The p.Q239H variant (also known as c.717G>T), located in coding exon 7 of the SRP72 gene, results from a G to T substitution at nucleotide position 717. The glutamine at codon 239 is replaced by histidine, an amino acid with highly similar properties. This amino acid position is conserved. In addition, this alteration is predicted to be tolerated by in silico analysis. Based on the available evidence, the clinical significance of this variant remains unclear.

NM_006947.4(SRP72):c.717G>T (p.Gln239His)

Gene: SRP72 (signal recognition particle 72; plus strand). Cytogenetic location: 4q12.
Variant type: single nucleotide variant.
Coding change: c.717G>T on transcript NM_006947.4 (MANE Select); coding-DNA position 717, G replaced by T.
Protein change: p.Gln239His; replaces glutamine 239 with histidine.
Molecular consequence: missense variant. On other transcripts: intron variant (1), non-coding transcript variant (1).
Genome position (GRCh38, 1-based): chr4:56,478,453, G>T. VCF-style: chr4-56478453-G-T. GRCh37 (hg19) VCF-style: chr4-57344619-G-T.
Other names: c.642+1751G>T (NM_001267722.2); short protein forms Q239H.
Identifiers: ClinVar variation 4844204 (VCV004844204.1).